The following is an entry in ClinVar:

NM_001330700.2(TOP2B):c.2566C>T (p.Arg856Cys)

Gene: TOP2B (DNA topoisomerase II beta; minus strand). Cytogenetic location: 3p24.2.
Variant type: single nucleotide variant.
Coding change: c.2566C>T on transcript NM_001330700.2 (MANE Select); coding-DNA position 2566, C replaced by T.
Protein change: p.Arg856Cys; replaces arginine 856 with cysteine.
Molecular consequence: missense variant.
Genome position (GRCh38, 1-based): chr3:25,623,676, G>A on the plus strand (C>T on the coding strand, the complement: TOP2B is on the minus strand). VCF-style: chr3-25623676-G-A. GRCh37 (hg19) VCF-style: chr3-25665167-G-A.
Other names: c.2551C>T, p.Arg851Cys (NM_001068.3); short protein forms R856C, R851C.
Identifiers: ClinVar variation 2695090 (VCV002695090.3), dbSNP rs528995984, ClinGen allele CA2288465.

ClinVar aggregate classification (germline): Uncertain significance (1 of 4 stars; one submission).

Allele frequency attached by ClinVar (database versions not stated): ExAC 0.00001; gnomAD 0.00001; TOPMed 0.00001; 1000 Genomes Project 30x 0.00016; 1000 Genomes Project 0.00020.
gnomAD v4.1: 13 of 1,613,640 alleles (0.00081%); highest among the groups gnomAD compares: Admixed American, 0.0033%; no homozygotes.

Submission:

Labcorp Genetics (formerly Invitae), Labcorp
Classification: Uncertain significance. Last evaluated: 2023-10-24. Review status: criteria provided, single submitter. Criteria: Invitae Variant Classification Sherloc (09022015). Collection method: clinical testing. Allele origin: germline.
Comment: This sequence change replaces arginine, which is basic and polar, with cysteine, which is neutral and slightly polar, at codon 851 of the TOP2B protein (p.Arg851Cys). This variant is present in population databases (rs528995984, gnomAD 0.003%). This variant has not been reported in the literature in individuals affected with TOP2B-related conditions. An algorithm developed to predict the effect of missense changes on protein structure and function (PolyPhen-2) suggests that this variant is likely to be tolerated. In summary, the available evidence is currently insufficient to determine the role of this variant in disease. Therefore, it has been classified as a Variant of Uncertain Significance.